The following is an entry in ClinVar:

NM_002691.4(POLD1):c.3276G>C (p.Gln1092His)

Gene: POLD1 (DNA polymerase delta 1, catalytic subunit; plus strand). Cytogenetic location: 19q13.33.
Variant type: single nucleotide variant.
Coding change: c.3276G>C on transcript NM_002691.4 (MANE Select); coding-DNA position 3276, G replaced by C.
Protein change: p.Gln1092His; replaces glutamine 1092 with histidine.
Molecular consequence: missense variant. On other transcripts: non-coding transcript variant (1).
Genome position (GRCh38, 1-based): chr19:50,417,899, G>C. VCF-style: chr19-50417899-G-C. GRCh37 (hg19) VCF-style: chr19-50921156-G-C.
Other names: c.3276G>C, p.Gln1092His (NM_001256849.1); c.3354G>C, p.Gln1118His (NM_001308632.1); short protein forms Q1092H, Q1118H.
Identifiers: ClinVar variation 3308289 (VCV003308289.1).
Genomic context (GRCh38, chr19:50,417,899, plus strand): 5'-CAGCCGGGACTGCCCCATCTTCTACATGCGCAAGAAGGTGCGGAAGGACCTGGAAGACCA[G>C]GAGCAGCTCCTGCGGCGCTTCGGACCCCCTGGACCTGAGGCCTGGTGACCTTGCAAGCAT-3'
Protein context (NP_002682.2, residues 1082-1102): RKKVRKDLED[Gln1092His]EQLLRRFGPP

ClinVar aggregate classification (germline): Uncertain significance (1 of 4 stars; one submission).

Conditions:
Hereditary cancer-predisposing syndrome. Also called: Tumor predisposition; Hereditary Cancer Syndrome; Hereditary neoplastic syndrome; Neoplastic Syndromes, Hereditary. Identifiers: Orphanet 140162, MedGen C0027672, MeSH D009386, MONDO:0015356.

gnomAD v4.1: 1 of 1,611,970 alleles (0.000062%); highest among the groups gnomAD compares: Non-Finnish European, 0.000085%; no homozygotes.

Submission:

Ambry Genetics
Classification: Uncertain significance for Hereditary cancer-predisposing syndrome. Last evaluated: 2024-05-01. Review status: criteria provided, single submitter. Criteria: Ambry Variant Classification Scheme 2023. Collection method: clinical testing. Allele origin: germline.
Comment: The p.Q1092H variant (also known as c.3276G>C), located in coding exon 26 of the POLD1 gene, results from a G to C substitution at nucleotide position 3276. The glutamine at codon 1092 is replaced by histidine, an amino acid with highly similar properties. This amino acid position is conserved. In addition, this alteration is predicted to be tolerated by in silico analysis. Based on the available evidence, the clinical significance of this variant remains unclear.